The following is an entry in ClinVar:

NM_000182.5(HADHA):c.425A>G (p.Asn142Ser)

Gene: HADHA (hydroxyacyl-CoA dehydrogenase trifunctional multienzyme complex subunit alpha; minus strand). Cytogenetic location: 2p23.3.
Variant type: single nucleotide variant.
Coding change: c.425A>G on transcript NM_000182.5 (MANE Select); coding-DNA position 425, A replaced by G.
Protein change: p.Asn142Ser; replaces asparagine 142 with serine.
Molecular consequence: missense variant.
Genome position (GRCh38, 1-based): chr2:26,234,245, T>C on the plus strand (A>G on the coding strand, the complement: HADHA is on the minus strand). VCF-style: chr2-26234245-T-C. GRCh37 (hg19) VCF-style: chr2-26457113-T-C.
Other names: short protein forms N142S.
Identifiers: ClinVar variation 641541 (VCV000641541.10), dbSNP rs200549951, ClinGen allele CA1559889.

ClinVar aggregate classification (germline): Conflicting classifications of pathogenicity. Review status: criteria provided, conflicting classifications (1 of 4 stars). 3 submissions from 3 submitters: Uncertain significance (1); Likely benign (1). 1 of the submissions does not count toward it. Last evaluated 2026-01-12.

Conditions:
Mitochondrial trifunctional protein deficiency. Identifiers: Orphanet 746, MedGen C1969443, MONDO:0012172.
Long chain 3-hydroxyacyl-CoA dehydrogenase deficiency. Also called: Deficiency of long-chain 3-hydroxyacyl-coenzyme A dehydrogenase; LCHAD Deficiency. Identifiers: Orphanet 5, MedGen C3711645, MONDO:0012173, OMIM 609016.

Allele frequency attached by ClinVar (database versions not stated): gnomAD exomes 0.00004 and 0.00001; TOPMed 0.00004; ESP Exome Variant Server 0.00008; 1000 Genomes Project 30x 0.00016; gnomAD 0.00001; ExAC 0.00003.
gnomAD v4.1: 19 of 1,614,054 alleles (0.0012%); highest among the groups gnomAD compares: East Asian, 0.025%; no homozygotes.

Submissions (3):

Labcorp Genetics (formerly Invitae), Labcorp
Classification: Likely benign for Mitochondrial trifunctional protein deficiency; Long chain 3-hydroxyacyl-CoA dehydrogenase deficiency. Last evaluated: 2026-01-12. Review status: criteria provided, single submitter. Criteria: Invitae Variant Classification Sherloc (09022015). Collection method: clinical testing. Allele origin: germline.

GeneDx
Classification: Uncertain significance. Last evaluated: 2025-07-03. Review status: criteria provided, single submitter. Criteria: GeneDx Variant Classification Process June 2021. Collection method: clinical testing. Allele origin: germline. Affected: yes.
Comment: In silico analysis suggests that this missense variant does not alter protein structure/function; Has not been previously published as pathogenic or benign to our knowledge; This variant is associated with the following publications: (PMID: 30934865)

Natera, Inc.
Classification: Uncertain significance for Deficiency of long-chain 3-hydroxyacyl-coenzyme A dehydrogenase. Last evaluated: 2020-01-22. Review status: no assertion criteria provided. Collection method: clinical testing. Allele origin: germline. Not counted in ClinVar's aggregate classification.